The following is an entry in ClinVar:

NM_020297.4(ABCC9):c.1141A>G (p.Ile381Val)

Gene: ABCC9 (ATP binding cassette subfamily C member 9; minus strand). Cytogenetic location: 12p12.1.
Variant type: single nucleotide variant.
Coding change: c.1141A>G on transcript NM_020297.4 (MANE Select); coding-DNA position 1141, A replaced by G.
Protein change: p.Ile381Val; replaces isoleucine 381 with valine.
Molecular consequence: missense variant.
Genome position (GRCh38, 1-based): chr12:21,910,849, T>C on the plus strand (A>G on the coding strand, the complement: ABCC9 is on the minus strand). VCF-style: chr12-21910849-T-C. GRCh37 (hg19) VCF-style: chr12-22063783-T-C.
Other names: c.1141A>G, p.Ile381Val (NM_001377273.1, NM_005691.4); c.277A>G, p.Ile93Val (NM_001377274.1); short protein forms I381V, I93V.
Identifiers: ClinVar variation 3017597 (VCV003017597.4), dbSNP rs2137875072, ClinGen allele CA384119339.

ClinVar aggregate classification (germline): Uncertain significance. Review status: criteria provided, multiple submitters, no conflicts (2 of 4 stars). 2 submissions from 2 submitters: Uncertain significance (2). Last evaluated 2025-06-16.

Conditions:
Cardiovascular phenotype. Identifiers: MedGen CN230736.
Dilated cardiomyopathy 1O (CMD1O). Also called: CARDIOMYOPATHY, DILATED, WITH VENTRICULAR TACHYCARDIA. Identifiers: Orphanet 154, MedGen C1837839, MONDO:0012062, OMIM 608569.

Allele frequency attached by ClinVar (database versions not stated): gnomAD 0.00001; 1000 Genomes Project 30x 0.00031; gnomAD exomes below 0.00001.

Submissions (2):

Labcorp Genetics (formerly Invitae), Labcorp
Classification: Uncertain significance for Dilated cardiomyopathy 1O. Last evaluated: 2025-06-16. Review status: criteria provided, single submitter. Criteria: Invitae Variant Classification Sherloc (09022015). Collection method: clinical testing. Allele origin: germline.
Comment: This sequence change replaces isoleucine, which is neutral and non-polar, with valine, which is neutral and non-polar, at codon 381 of the ABCC9 protein (p.Ile381Val). This variant is not present in population databases (gnomAD no frequency). This variant has not been reported in the literature in individuals affected with ABCC9-related conditions. ClinVar contains an entry for this variant (Variation ID: 3017597). Invitae Evidence Modeling of protein sequence and biophysical properties (such as structural, functional, and spatial information, amino acid conservation, physicochemical variation, residue mobility, and thermodynamic stability) indicates that this missense variant is expected to disrupt ABCC9 protein function with a positive predictive value of 95%. In summary, the available evidence is currently insufficient to determine the role of this variant in disease. Therefore, it has been classified as a Variant of Uncertain Significance.

Ambry Genetics
Classification: Uncertain significance for Cardiovascular phenotype. Last evaluated: 2025-01-15. Review status: criteria provided, single submitter. Criteria: Ambry Variant Classification Scheme 2023. Collection method: clinical testing. Allele origin: germline.
Comment: The p.I381V variant (also known as c.1141A>G), located in coding exon 7 of the ABCC9 gene, results from an A to G substitution at nucleotide position 1141. The isoleucine at codon 381 is replaced by valine, an amino acid with highly similar properties. This amino acid position is highly conserved in available vertebrate species. In addition, the in silico prediction for this alteration is inconclusive. Based on the available evidence, the clinical significance of this variant remains unclear.